The following is an entry in ClinVar:

ClinVar aggregate classification (germline): Pathogenic (1 of 4 stars; one submission).

Conditions:
Niemann-Pick disease, type C1. Also called: NIEMANN-PICK DISEASE, VARIANT TYPE C1; NEUROVISCERAL STORAGE DISEASE WITH VERTICAL SUPRANUCLEAR OPHTHALMOPLEGIA; NIEMANN-PICK DISEASE WITH CHOLESTEROL ESTERIFICATION BLOCK; NIEMANN-PICK DISEASE WITHOUT SPHINGOMYELINASE DEFICIENCY; NIEMANN-PICK DISEASE, CHRONIC NEURONOPATHIC FORM. Identifiers: Orphanet 646, MedGen C3179455, MONDO:0009757, OMIM 257220.

Submission:

Labcorp Genetics (formerly Invitae), Labcorp
Classification: Pathogenic for Niemann-Pick disease, type C1. Last evaluated: 2022-03-31. Review status: criteria provided, single submitter. Criteria: Invitae Variant Classification Sherloc (09022015). Collection method: clinical testing. Allele origin: germline.
Comment: This variant is not present in population databases (gnomAD no frequency). For these reasons, this variant has been classified as Pathogenic. This variant has not been reported in the literature in individuals affected with NPC1-related conditions. This sequence change creates a premature translational stop signal (p.Asn158Metfs*63) in the NPC1 gene. It is expected to result in an absent or disrupted protein product. Loss-of-function variants in NPC1 are known to be pathogenic (PMID: 9211850).

Literature cited by the submitters: PubMed 9211850.

NM_000271.5(NPC1):c.473del (p.Asn158fs)

Gene: NPC1 (NPC intracellular cholesterol transporter 1; minus strand). Cytogenetic location: 18q11.2.
Variant type: Deletion.
Coding change: c.473del on transcript NM_000271.5 (MANE Select); coding-DNA position 473, one base deleted (A; older notation c.473delA).
Protein change: p.Asn158fs; shifts the reading frame from asparagine 158.
Molecular consequence: frameshift variant.
Genome position (GRCh38, 1-based): chr18:23,561,518, T deleted on the plus strand (A on the coding strand, the reverse complement: NPC1 is on the minus strand); the first of 2 consecutive T bases (chr18:23,561,518-23,561,519); deleting either gives the same sequence. VCF-style (leftmost placement, unchanged base first): chr18-23561517-AT-A. GRCh37 (hg19) VCF-style: chr18-21141481-AT-A.
Other names: short protein forms N158fs.
Identifiers: ClinVar variation 2120073 (VCV002120073.4), dbSNP rs2511309763, ClinGen allele CA2580095639.